The following is an entry in ClinVar:

ClinVar aggregate classification (germline): Uncertain significance (1 of 4 stars; one submission).

Conditions:
Dilated cardiomyopathy 1DD (CMD1DD). Identifiers: Orphanet 154, MedGen C2750995, MONDO:0013168, OMIM 613172.

Submission:

Labcorp Genetics (formerly Invitae), Labcorp
Classification: Uncertain significance for Dilated cardiomyopathy 1DD. Last evaluated: 2024-04-01. Review status: criteria provided, single submitter. Criteria: Invitae Variant Classification Sherloc (09022015). Collection method: clinical testing. Allele origin: germline.
Comment: This sequence change replaces aspartic acid with tyrosine at codon 20 of the RBM20 protein (p.Asp20Tyr). The aspartic acid residue is weakly conserved and there is a large physicochemical difference between aspartic acid and tyrosine. Information on the frequency of this variant in the gnomAD database is not available, as this variant may be reported differently in the database. This variant has not been reported in the literature in individuals affected with RBM20-related conditions. ClinVar contains an entry for this variant (Variation ID: 1447765). Experimental studies and prediction algorithms are not available or were not evaluated, and the functional significance of this variant is currently unknown. In summary, the available evidence is currently insufficient to determine the role of this variant in disease. Therefore, it has been classified as a Variant of Uncertain Significance.

NM_001134363.3(RBM20):c.57_58delinsTT (p.Asp20Tyr)

Gene: RBM20 (RNA binding motif protein 20; plus strand). Cytogenetic location: 10q25.2.
Variant type: Indel.
Coding change: c.57_58delinsTT on transcript NM_001134363.3 (MANE Select); coding-DNA positions 57 to 58, GG replaced by TT.
Protein change: p.Asp20Tyr; replaces aspartic acid 20 with tyrosine.
Molecular consequence: missense variant.
Genome position (GRCh38, 1-based): chr10:110,644,511-110,644,512, GG replaced by TT. VCF-style: chr10-110644511-GG-TT. GRCh37 (hg19) VCF-style: chr10-112404269-GG-TT.
Other names: short protein forms D20Y.
Identifiers: ClinVar variation 1447765 (VCV001447765.6), dbSNP rs2134792632, ClinGen allele CA2573145535.